The following is an entry in ClinVar:

NM_001267550.2(TTN):c.103391A>C (p.Lys34464Thr)

Genes: TTN (titin; minus strand), TTN-AS1 (TTN antisense RNA 1; plus strand). Cytogenetic location: 2q31.2.
Variant type: single nucleotide variant.
Coding change: c.103391A>C on transcript NM_001267550.2 (MANE Select); coding-DNA position 103391, A replaced by C.
Protein change: p.Lys34464Thr; replaces lysine 34464 with threonine.
Molecular consequence: missense variant.
Genome position (GRCh38, 1-based): chr2:178,533,224, T>G on the plus strand (A>C on the coding strand, the complement: TTN is on the minus strand). VCF-style: chr2-178533224-T-G. GRCh37 (hg19) VCF-style: chr2-179397951-T-G.
Other names: c.98468A>C, p.Lys32823Thr (NM_001256850.1); c.76196A>C, p.Lys25399Thr (NM_003319.4); c.95687A>C, p.Lys31896Thr (NM_133378.4); c.76571A>C, p.Lys25524Thr (NM_133432.3); c.76772A>C, p.Lys25591Thr (NM_133437.4); short protein forms K25399T, K32823T, K34464T, K25524T, K25591T, K31896T.
Identifiers: ClinVar variation 656434 (VCV000656434.10), dbSNP rs1559023019, ClinGen allele CA349414380.

ClinVar aggregate classification (germline): Uncertain significance. Review status: criteria provided, multiple submitters, no conflicts (2 of 4 stars). 2 submissions from 2 submitters: Uncertain significance (2). Last evaluated 2025-12-22.

Conditions:
TTN-related disorder. Also called: TTN-related disorders; TTN-related condition; TTN-related disease.
Dilated cardiomyopathy 1G (CMD1G). Identifiers: Orphanet 154, MedGen C1858763, MONDO:0011400, OMIM 604145.
Autosomal recessive limb-girdle muscular dystrophy type 2J (LGMDR10). Also called: MUSCULAR DYSTROPHY, LIMB-GIRDLE, AUTOSOMAL RECESSIVE 10; Limb-girdle muscular dystrophy, type 2J. Identifiers: Orphanet 140922, MedGen C1837342, MONDO:0012127, OMIM 608807.

Allele frequency attached by ClinVar (database versions not stated): gnomAD exomes below 0.00001; TOPMed below 0.00001; gnomAD 0.00003.
gnomAD v4.1: 4 of 1,613,996 alleles (0.00025%); highest among the groups gnomAD compares: Non-Finnish European, 0.00025%; no homozygotes.

Submissions (2):

PreventionGenetics, part of Exact Sciences
Classification: Uncertain significance for TTN-related condition. Last evaluated: 2025-12-22. Review status: criteria provided, single submitter. Criteria: ACMG Guidelines, 2015. Collection method: clinical testing. Allele origin: germline.
Comment: The TTN c.103391A>C variant is predicted to result in the amino acid substitution p.Lys34464Thr. To our knowledge, this variant has not been reported in the literature. This variant is reported in 0.0065% of alleles in individuals of European (Non-Finnish) descent in gnomAD. At this time, the clinical significance of this variant is uncertain due to the absence of conclusive functional and genetic evidence.

Labcorp Genetics (formerly Invitae), Labcorp
Classification: Uncertain significance for Dilated cardiomyopathy 1G; Autosomal recessive limb-girdle muscular dystrophy type 2J. Last evaluated: 2025-01-27. Review status: criteria provided, single submitter. Criteria: Invitae Variant Classification Sherloc (09022015). Collection method: clinical testing. Allele origin: germline.
Comment: This sequence change replaces lysine, which is basic and polar, with threonine, which is neutral and polar, at codon 34464 of the TTN protein (p.Lys34464Thr). This variant is not present in population databases (gnomAD no frequency). This variant has not been reported in the literature in individuals affected with TTN-related conditions. ClinVar contains an entry for this variant (Variation ID: 656434). Experimental studies and prediction algorithms are not available or were not evaluated, and the functional significance of this variant is currently unknown. This variant is located in the M band of TTN (PMID: 25589632). Non-truncating variants in this region may be relevant for neuromuscular disorders, but have not been definitively shown to cause cardiomyopathy (PMID: 23975875). In summary, the available evidence is currently insufficient to determine the role of this variant in disease. Therefore, it has been classified as a Variant of Uncertain Significance.

Literature cited by the submitters: PubMed 25589632 (cited by Labcorp Genetics (formerly Invitae), Labcorp); PubMed 23975875 (cited by Labcorp Genetics (formerly Invitae), Labcorp).